The following is an entry in ClinVar:

ClinVar aggregate classification (germline): Uncertain significance. Review status: criteria provided, multiple submitters, no conflicts (2 of 4 stars). 2 submissions from 2 submitters: Uncertain significance (2). Last evaluated 2024-03-06.

Conditions:
Cardiomyopathy (CMYO). Also called: Cardiomyopathies. Identifiers: Orphanet 167848, MedGen C0878544, MONDO:0004994, HP:0001638. Inheritance: Various modes of inheritance.
Arrhythmogenic cardiomyopathy with wooly hair and keratoderma. Also called: PALMOPLANTAR KERATODERMA WITH LEFT VENTRICULAR CARDIOMYOPATHY AND WOOLLY HAIR; Carvajal syndrome; Dilated cardiomyopathy with woolly hair and keratoderma; Arrhythmogenic cardiomyopathy with woolly hair and keratoderma. Identifiers: Orphanet 65282, MedGen C1854063, MONDO:0011581, OMIM 605676.

Allele frequency attached by ClinVar (database versions not stated): gnomAD exomes below 0.00001; TOPMed below 0.00001; gnomAD 0.00001.
gnomAD v4.1: 2 of 1,614,210 alleles (0.00012%); highest among the groups gnomAD compares: East Asian, 0.0022%; no homozygotes.

Submissions (2):

Color Diagnostics, LLC DBA Color Health
Classification: Uncertain significance for Cardiomyopathy. Last evaluated: 2024-03-06. Review status: criteria provided, single submitter. Criteria: ACMG Guidelines, 2015. Collection method: clinical testing. Allele origin: germline.
Comment: This missense variant replaces serine with asparagine at codon 491 of the DSP protein. Computational prediction suggests that this variant may not impact protein structure and function (internally defined REVEL score threshold <= 0.5, PMID: 27666373). Splice site prediction tools suggest that this variant may not impact RNA splicing. To our knowledge, functional studies have not been reported for this variant. This variant has not been reported in individuals affected with cardiovascular disorders in the literature. This variant has not been identified in the general population by the Genome Aggregation Database (gnomAD). The available evidence is insufficient to determine the role of this variant in disease conclusively. Therefore, this variant is classified as a Variant of Uncertain Significance.

All of Us Research Program, National Institutes of Health
Classification: Uncertain significance for Arrhythmogenic cardiomyopathy with wooly hair and keratoderma. Last evaluated: 2023-04-27. Review status: criteria provided, single submitter. Criteria: ACMG Guidelines, 2015. Collection method: clinical testing. Allele origin: germline. Inheritance: Autosomal dominant inheritance. Observed: 1 variant allele, 1 heterozygote.
Comment: This study involves interpretation of variants in research participants for the purpose of population health screening. Participant phenotype was not available at the time of variant classification. Additional details can be found in publication PMID: 35346344, PMCID: PMC8962531

NM_004415.4(DSP):c.1472G>A (p.Ser491Asn)

Gene: DSP (desmoplakin; plus strand). Cytogenetic location: 6p24.3.
Variant type: single nucleotide variant.
Coding change: c.1472G>A on transcript NM_004415.4 (MANE Select); coding-DNA position 1472, G replaced by A.
Protein change: p.Ser491Asn; replaces serine 491 with asparagine.
Molecular consequence: missense variant.
Genome position (GRCh38, 1-based): chr6:7,569,238, G>A. VCF-style: chr6-7569238-G-A. GRCh37 (hg19) VCF-style: chr6-7569471-G-A.
Other names: c.1472G>A, p.Ser491Asn (NM_001008844.3, NM_001319034.2); short protein forms S491N.
Identifiers: ClinVar variation 926336 (VCV000926336.5), dbSNP rs930342643, ClinGen allele CA133956359.